The following is an entry in ClinVar:

ClinVar aggregate classification (germline): Likely benign. Review status: criteria provided, multiple submitters, no conflicts (2 of 4 stars). 5 submissions from 5 submitters: Likely benign (3). 2 of the submissions do not count toward it. Last evaluated 2025-11-06.

Conditions:
Isolated dental anomalies.
ANKRD11-related disorder. Also called: ANKRD11-related condition.
Inborn genetic diseases. Identifiers: MedGen C0950123, MeSH D030342.
KBG syndrome (KBGS). Also called: ANKRD11-Related KBG Syndrome. Identifiers: Orphanet 2332, MedGen C0220687, MONDO:0007846, OMIM 148050.

Allele frequency attached by ClinVar (database versions not stated): TOPMed 0.00003; ExAC 0.00027; 1000 Genomes Project 30x 0.00062; 1000 Genomes Project 0.00080.
gnomAD v4.1: 176 of 1,613,750 alleles (0.011%); highest among the groups gnomAD compares: South Asian, 0.16%; no homozygotes.

Submissions (5):

Labcorp Genetics (formerly Invitae), Labcorp
Classification: Likely benign for KBG syndrome. Last evaluated: 2025-11-06. Review status: criteria provided, single submitter. Criteria: Invitae Variant Classification Sherloc (09022015). Collection method: clinical testing. Allele origin: germline.

Blueprint Genetics
Classification: Likely benign. Last evaluated: 2024-04-02. Review status: criteria provided, single submitter. Criteria: ACMG Guidelines, 2015. Collection method: clinical testing. Allele origin: germline.

Ambry Genetics
Classification: Likely benign for Inborn genetic diseases. Last evaluated: 2021-10-27. Review status: criteria provided, single submitter. Criteria: Ambry Variant Classification Scheme 2023. Collection method: clinical testing. Allele origin: germline.

Center of Excellence in Medical Genetics Research, Chiang Mai University
Classification: Likely benign for Isolated dental anomalies. Last evaluated: 2026-08-18. Review status: no assertion criteria provided. Collection method: research. Allele origin: germline. Affected: yes. Observed: 1 variant allele. Not counted in ClinVar's aggregate classification.
Comment: NM_013275.6:c.1739C>A is a missense variant in ANKRD11. The in silico mutation prediction results were MutationTaster (Disease Causing; 0.999989684058548), PolyPhen-2 (Probably Damaging; 0.990), SIFT (Uncertain; 0.027), CADD (25.8), and DANN (Uncertain; 0.9944). It occurs at a rare allele frequency in the gnomAD population database (gnomAD Global = 0.0001091, South Asian = 0.001603, East Asian = 0.00002228) and is absent from the T-Rex database (Thai exomes: 0/2184) (BS1). This variant has been previously reported in ClinVar with likely benign from 3 submitters (BP6). In summary, based on the ACMG/AMP criteria applied, this variant is classified as a Likely Benign) for isolated dental anomalies.

PreventionGenetics, part of Exact Sciences
Classification: Likely benign for ANKRD11-related condition. Last evaluated: 2021-03-22. Review status: no assertion criteria provided. Collection method: clinical testing. Allele origin: germline. Not counted in ClinVar's aggregate classification.
Comment: This variant is classified as likely benign based on ACMG/AMP sequence variant interpretation guidelines (Richards et al. 2015 PMID: 25741868, with internal and published modifications).

NM_013275.6(ANKRD11):c.1739C>A (p.Ser580Tyr)

Gene: ANKRD11 (ankyrin repeat domain 11; minus strand). Cytogenetic location: 16q24.3.
Variant type: single nucleotide variant.
Coding change: c.1739C>A on transcript NM_013275.6 (MANE Select); coding-DNA position 1739, C replaced by A.
Protein change: p.Ser580Tyr; replaces serine 580 with tyrosine.
Molecular consequence: missense variant.
Genome position (GRCh38, 1-based): chr16:89,284,803, G>T on the plus strand (C>A on the coding strand, the complement: ANKRD11 is on the minus strand). VCF-style: chr16-89284803-G-T. GRCh37 (hg19) VCF-style: chr16-89351211-G-T.
Other names: c.1739C>A (NM_013275.5); c.1739C>A, p.Ser580Tyr (NM_001256182.2, NM_001256183.2); short protein forms S580Y.
Identifiers: ClinVar variation 1932833 (VCV001932833.10), dbSNP rs558841201, ClinGen allele CA8242704.